The following is an entry in ClinVar:

ClinVar aggregate classification (germline): Likely benign. Review status: criteria provided, single submitter (1 of 4 stars). 2 submissions from 2 submitters: Likely benign (1). 1 of the submissions does not count toward it. Last evaluated 2025-09-30.

Conditions:
DCHS1-related disorder. Also called: DCHS1-related condition.

Allele frequency attached by ClinVar (database versions not stated): gnomAD 0.00003; TOPMed 0.00003.

Submissions (2):

Labcorp Genetics (formerly Invitae), Labcorp
Classification: Likely benign. Last evaluated: 2025-09-30. Review status: criteria provided, single submitter. Criteria: Invitae Variant Classification Sherloc (09022015). Collection method: clinical testing. Allele origin: germline.

PreventionGenetics, part of Exact Sciences
Classification: Likely benign for DCHS1-related condition. Last evaluated: 2023-01-19. Review status: no assertion criteria provided. Collection method: clinical testing. Allele origin: germline. Not counted in ClinVar's aggregate classification.
Comment: This variant is classified as likely benign based on ACMG/AMP sequence variant interpretation guidelines (Richards et al. 2015 PMID: 25741868, with internal and published modifications).

NM_003737.4(DCHS1):c.9405C>T (p.Phe3135=)

Gene: DCHS1 (dachsous cadherin-related 1; minus strand). Cytogenetic location: 11p15.4.
Variant type: single nucleotide variant.
Coding change: c.9405C>T on transcript NM_003737.4 (MANE Select); coding-DNA position 9405, C replaced by T.
Protein change: p.Phe3135=; no amino-acid change (phenylalanine 3135 retained).
Molecular consequence: synonymous variant.
Genome position (GRCh38, 1-based): chr11:6,622,271, G>A on the plus strand (C>T on the coding strand, the complement: DCHS1 is on the minus strand). VCF-style: chr11-6622271-G-A. GRCh37 (hg19) VCF-style: chr11-6643502-G-A.
Other names: c.9405C>T (NM_003737.3).
Identifiers: ClinVar variation 1595354 (VCV001595354.10), dbSNP rs766449407, ClinGen allele CA5859267.